The following is an entry in ClinVar:

NM_001283009.2(RTEL1):c.2777A>G (p.Asp926Gly)

Genes: RTEL1 (regulator of telomere elongation helicase 1; plus strand), RTEL1-TNFRSF6B (RTEL1-TNFRSF6B readthrough (NMD candidate); plus strand). Cytogenetic location: 20q13.33.
Variant type: single nucleotide variant.
Coding change: c.2777A>G on transcript NM_001283009.2 (MANE Select); coding-DNA position 2777, A replaced by G.
Protein change: p.Asp926Gly; replaces aspartic acid 926 with glycine.
Molecular consequence: missense variant. On other transcripts: non-coding transcript variant (1).
Genome position (GRCh38, 1-based): chr20:63,692,929, A>G. VCF-style: chr20-63692929-A-G. GRCh37 (hg19) VCF-style: chr20-62324282-A-G.
Other names: c.2108A>G, p.Asp703Gly (NM_001283010.1); c.2777A>G, p.Asp926Gly (NM_016434.4); c.2849A>G, p.Asp950Gly (NM_032957.5); short protein forms D926G, D950G, D703G.
Identifiers: ClinVar variation 3948390 (VCV003948390.1).

ClinVar aggregate classification (germline): Uncertain significance (1 of 4 stars; one submission).

Conditions:
Inborn genetic diseases. Identifiers: MedGen C0950123, MeSH D030342.

gnomAD v4.1: 1 of 1,612,638 alleles (0.000062%); highest among the groups gnomAD compares: Non-Finnish European, 0.000085%; no homozygotes.

Submission:

Ambry Genetics
Classification: Uncertain significance for Inborn genetic diseases. Last evaluated: 2025-05-11. Review status: criteria provided, single submitter. Criteria: Ambry Variant Classification Scheme 2023. Collection method: clinical testing. Allele origin: germline.
Comment: The p.D926G variant (also known as c.2777A>G), located in coding exon 28 of the RTEL1 gene, results from an A to G substitution at nucleotide position 2777. The aspartic acid at codon 926 is replaced by glycine, an amino acid with similar properties. This amino acid position is conserved. In addition, this alteration is predicted to be tolerated by in silico analysis. Based on the available evidence, the clinical significance of this variant remains unclear.